The following is an entry in ClinVar:

ClinVar aggregate classification (germline): Conflicting classifications of pathogenicity. Review status: criteria provided, conflicting classifications (1 of 4 stars). 9 submissions from 9 submitters: Uncertain significance (7); Likely benign (2). Last evaluated 2026-08-07.

Conditions:
Ehlers-Danlos syndrome due to tenascin-X deficiency (EDSCLL1). Also called: TNXB-Related Classical-Like Ehlers-Danlos Syndrome; TNX DEFICIENCY; EHLERS-DANLOS SYNDROME, CLASSIC-LIKE; Ehlers-Danlos syndrome, classic-like, 1; EDS DUE TO TNX DEFICIENCY. Identifiers: Orphanet 230839, MedGen C1848029, MONDO:0011670, OMIM 606408.
Vesicoureteral reflux 8 (VUR8). Identifiers: Orphanet 289365, MedGen C4014831, MONDO:0014422, OMIM 615963.
Cardiovascular phenotype. Identifiers: MedGen CN230736.
TNXB-related disorder. Also called: TNXB-related condition.
Ehlers-Danlos syndrome (EDS). Identifiers: Orphanet 98249, MedGen C0013720, MONDO:0020066.

Allele frequency attached by ClinVar (database versions not stated): gnomAD 0.00067 and 0.00068; ExAC 0.00068; gnomAD exomes 0.00069 and 0.00113; TOPMed 0.00073; 1000 Genomes Project 30x 0.00078; ESP Exome Variant Server 0.00079; 1000 Genomes Project 0.00100.
gnomAD v4.1: 1,710 of 1,603,598 alleles (0.11%); highest among the groups gnomAD compares: Non-Finnish European, 0.14%; 1 homozygote.

Submissions (9):

PreventionGenetics, part of Exact Sciences
Classification: Uncertain significance for TNXB-related condition. Last evaluated: 2026-08-07. Review status: criteria provided, single submitter. Criteria: ACMG Guidelines, 2015. Collection method: clinical testing. Allele origin: germline.
Comment: The TNXB c.3488G>A variant is predicted to result in the amino acid substitution p.Gly1163Glu. This variant has been reported in an individual with vesico-uretric reflux, however this patient did not have joint hypermobility (Table 3, Patient ID 12,  Tokhmafshan et al. 2020. PubMed ID: 31702543). This variant is reported in 0.14% of alleles in individuals of European (Non-Finnish) descent in gnomAD. At this time, the clinical significance of this variant is uncertain due to the absence of conclusive functional and genetic evidence.

Women's Health and Genetics/Laboratory Corporation of America, LabCorp
Classification: Likely benign. Last evaluated: 2026-06-10. Review status: criteria provided, single submitter. Criteria: LabCorp Variant Classification Summary - May 2015. Collection method: clinical testing. Allele origin: germline.
Comment: Variant summary: TNXB c.3488G>A (p.Gly1163Glu) results in a non-conservative amino acid change located in the Fibronectin type III domain (IPR003961) of the encoded protein sequence. Algorithms developed to predict the effect of missense changes on protein structure and function are either unavailable or do not agree on the potential impact of this missense change. The variant allele was found at a frequency of 0.00069 in 243458 control chromosomes, predominantly at a frequency of 0.0014 within the Non-Finnish European subpopulation in the gnomAD database. The observed variant frequency within Non-Finnish European control individuals in the gnomAD database exceeds the estimated maximal expected allele frequency for disease-causing variants in TNXB. c.3488G>A has been reported in the literature in at least 1 individual affected with vesicoureteral reflux (example, Tokhmafshan_2020). The report does not provide unequivocal conclusions about association of the variant with disease. To our knowledge, no experimental evidence demonstrating an impact on protein function has been reported. The following publication have been ascertained in the context of this evaluation (PMID: 31702543). ClinVar contains an entry for this variant (Variation ID: 871710). Based on the evidence outlined above, the variant was classified as likely benign.

Mayo Clinic Laboratories, Mayo Clinic
Classification: Likely benign. Last evaluated: 2025-10-09. Review status: criteria provided, single submitter. Criteria: ACMG Guidelines, 2015. Collection method: clinical testing. Allele origin: germline. Observed: 2 variant alleles.
Comment: BS1, BP4

GeneDx
Classification: Uncertain significance. Last evaluated: 2025-07-13. Review status: criteria provided, single submitter. Criteria: GeneDx Variant Classification Process June 2021. Collection method: clinical testing. Allele origin: germline. Affected: yes.
Comment: Identified in a patient with vesico-ureteric reflux in published literature (PMID: 31702543); In silico analysis supports that this missense variant has a deleterious effect on protein structure/function; This variant is associated with the following publications: (PMID: 31702543)

CeGaT Center for Human Genetics Tuebingen
Classification: Uncertain significance. Last evaluated: 2024-10-01. Review status: criteria provided, single submitter. Criteria: CeGaT Center For Human Genetics Tuebingen Variant Classification Criteria Version 2. Collection method: clinical testing. Allele origin: germline. Affected: yes. Observed: 4 variant alleles.

Ambry Genetics
Classification: Uncertain significance for Cardiovascular phenotype. Last evaluated: 2023-12-06. Review status: criteria provided, single submitter. Criteria: Ambry Variant Classification Scheme 2023. Collection method: clinical testing. Allele origin: germline.
Comment: The p.G1163E variant (also known as c.3488G>A), located in coding exon 8 of the TNXB gene, results from a G to A substitution at nucleotide position 3488. The glycine at codon 1163 is replaced by glutamic acid, an amino acid with similar properties. This variant was detected in a pediatric proband with vesicoureteric reflex without hypermobility (Tokhmafshan F et al. Can Urol Assoc J, 2020 Apr;14:E128-E136). This amino acid position is highly conserved in available vertebrate species. In addition, this alteration is predicted to be tolerated by in silico analysis. Since supporting evidence is limited at this time, the clinical significance of this alteration remains unclear.

Genome Diagnostics Laboratory, The Hospital for Sick Children
Classification: Uncertain significance for Ehlers-Danlos syndrome. Last evaluated: 2022-04-22. Review status: criteria provided, single submitter. Criteria: ACMG Guidelines, 2015. Collection method: clinical testing. Allele origin: germline.

MGZ Medical Genetics Center
Classification: Uncertain significance for Ehlers-Danlos syndrome due to tenascin-X deficiency. Last evaluated: 2022-04-19. Review status: criteria provided, single submitter. Criteria: ACMG Guidelines, 2015. Collection method: clinical testing. Allele origin: germline. Affected: yes. Observed: 1 variant allele.
Comment: ACMG criteria applied: BS1

Revvity Omics, Revvity
Classification: Uncertain significance for Vesicoureteral reflux 8. Last evaluated: 2021-08-04. Review status: criteria provided, single submitter. Criteria: ACMG Guidelines, 2015. Collection method: clinical testing. Allele origin: germline.

Literature cited by the submitters: PubMed 31702543 (cited by 3 submitters); PubMed 23555315 (cited by Ambry Genetics); PubMed 26257771 (cited by Ambry Genetics).

NM_001365276.2(TNXB):c.3488G>A (p.Gly1163Glu)

Gene: TNXB (tenascin XB; minus strand). Cytogenetic location: 6p21.33.
Variant type: single nucleotide variant.
Coding change: c.3488G>A on transcript NM_001365276.2 (MANE Select); coding-DNA position 3488, G replaced by A.
Protein change: p.Gly1163Glu; replaces glycine 1163 with glutamic acid.
Molecular consequence: missense variant.
Genome position (GRCh38, 1-based): chr6:32,082,284, C>T on the plus strand (G>A on the coding strand, the complement: TNXB is on the minus strand). VCF-style: chr6-32082284-C-T. GRCh37 (hg19) VCF-style: chr6-32050061-C-T.
Other names: p.Gly1163Glu; c.3488G>A, p.Gly1163Glu (NM_019105.8); short protein forms G1163E.
Identifiers: ClinVar variation 871710 (VCV000871710.63), dbSNP rs185207099, ClinGen allele CA3735166.
Genomic context (GRCh38, chr6:32,082,284, plus strand): 5'-TCAGGGACAGTCCAGGAGAGGTGCAGTGAATCTGGGGTAGGGTCTGTCACCCACAGGTTT[C>T]CCAGGTGGGGTGGAGTCCCTGGACTTGGGTCACTCTGAGGCACTAGGAAGAGTGGGTAGA-3'
Protein context (NP_001352205.1, residues 1153-1173): DPSPGTPPHL[Gly1163Glu]NLWVTDPTPD